The following is an entry in ClinVar:

ClinVar aggregate classification (germline): Conflicting classifications of pathogenicity. Review status: criteria provided, conflicting classifications (1 of 4 stars). 3 submissions from 3 submitters: Uncertain significance (2); Likely benign (1). Last evaluated 2024-07-16.

Conditions:
Hereditary cancer-predisposing syndrome. Also called: Neoplastic Syndromes, Hereditary; Tumor predisposition; Hereditary neoplastic syndrome; Hereditary Cancer Syndrome. Identifiers: Orphanet 140162, MedGen C0027672, MeSH D009386, MONDO:0015356.
Familial cancer of breast. Also called: BREAST CANCER, FAMILIAL; Hereditary breast cancer; hereditary breast carcinoma. Identifiers: Orphanet 227535, MedGen C0346153, MONDO:0016419, OMIM 114480. Disease mechanism: loss of function.

Allele frequency attached by ClinVar (database versions not stated): gnomAD exomes below 0.00001.
gnomAD v4.1: 1 of 1,614,030 alleles (0.000062%); highest among the groups gnomAD compares: Non-Finnish European, 0.000085%; no homozygotes.

Submissions (3):

Labcorp Genetics (formerly Invitae), Labcorp
Classification: Uncertain significance for Familial cancer of breast. Last evaluated: 2024-07-16. Review status: criteria provided, single submitter. Criteria: Invitae Variant Classification Sherloc (09022015). Collection method: clinical testing. Allele origin: germline.
Comment: This sequence change replaces valine, which is neutral and non-polar, with isoleucine, which is neutral and non-polar, at codon 1154 of the PALB2 protein (p.Val1154Ile). This variant is not present in population databases (gnomAD no frequency). This variant has not been reported in the literature in individuals affected with PALB2-related conditions. ClinVar contains an entry for this variant (Variation ID: 823800). An algorithm developed to predict the effect of missense changes on protein structure and function outputs the following: PolyPhen-2: "Benign". The isoleucine amino acid residue is found in multiple mammalian species, which suggests that this missense change does not adversely affect protein function. In summary, the available evidence is currently insufficient to determine the role of this variant in disease. Therefore, it has been classified as a Variant of Uncertain Significance.

Color Diagnostics, LLC DBA Color Health
Classification: Uncertain significance for Hereditary cancer-predisposing syndrome. Last evaluated: 2024-06-13. Review status: criteria provided, single submitter. Criteria: ACMG Guidelines, 2015. Collection method: clinical testing. Allele origin: germline.
Comment: This missense variant replaces valine with isoleucine at codon 1154 of the PALB2 protein. Computational prediction suggests that this variant may not impact protein structure and function. To our knowledge, functional studies have not been reported for this variant. This variant has not been reported in individuals affected with PALB2-related disorders in the literature. This variant has not been identified in the general population by the Genome Aggregation Database (gnomAD). The available evidence is insufficient to determine the role of this variant in disease conclusively. Therefore, this variant is classified as a Variant of Uncertain Significance.

Ambry Genetics
Classification: Likely benign for Hereditary cancer-predisposing syndrome. Last evaluated: 2018-08-28. Review status: criteria provided, single submitter. Criteria: Ambry Variant Classification Scheme 2023. Collection method: clinical testing. Allele origin: germline.

NM_024675.4(PALB2):c.3460G>A (p.Val1154Ile)

Gene: PALB2 (partner and localizer of BRCA2; minus strand). Cytogenetic location: 16p12.2.
Variant type: single nucleotide variant.
Coding change: c.3460G>A on transcript NM_024675.4 (MANE Select); coding-DNA position 3460, G replaced by A.
Protein change: p.Val1154Ile; replaces valine 1154 with isoleucine.
Molecular consequence: missense variant.
Genome position (GRCh38, 1-based): chr16:23,603,560, C>T on the plus strand (G>A on the coding strand, the complement: PALB2 is on the minus strand). VCF-style: chr16-23603560-C-T. GRCh37 (hg19) VCF-style: chr16-23614881-C-T.
Other names: short protein forms V1154I.
Identifiers: ClinVar variation 823800 (VCV000823800.7), dbSNP rs1597062059, ClinGen allele CA395138067.